The following is an entry in ClinVar:

NM_022437.3(ABCG8):c.638T>C (p.Leu213Ser)

Gene: ABCG8 (ATP binding cassette subfamily G member 8; plus strand). Cytogenetic location: 2p21.
Variant type: single nucleotide variant.
Coding change: c.638T>C on transcript NM_022437.3 (MANE Select); coding-DNA position 638, T replaced by C.
Protein change: p.Leu213Ser; replaces leucine 213 with serine.
Molecular consequence: missense variant.
Genome position (GRCh38, 1-based): chr2:43,852,430, T>C. VCF-style: chr2-43852430-T-C. GRCh37 (hg19) VCF-style: chr2-44079569-T-C.
Other names: c.638T>C, p.Leu213Ser (NM_001357321.2); short protein forms L213S.
Identifiers: ClinVar variation 5028038 (VCV005028038.1).

ClinVar aggregate classification (germline): Uncertain significance (1 of 4 stars; one submission).

Conditions:
Cardiovascular phenotype. Identifiers: MedGen CN230736.

gnomAD v4.1: 10 of 1,612,636 alleles (0.00062%); highest among the groups gnomAD compares: Non-Finnish European, 0.00085%; no homozygotes.

Submission:

Ambry Genetics
Classification: Uncertain significance for Cardiovascular phenotype. Last evaluated: 2026-09-06. Review status: criteria provided, single submitter. Criteria: Ambry Variant Classification Scheme 2023. Collection method: clinical testing. Allele origin: germline.
Comment: The p.L213S variant (also known as c.638T>C), located in coding exon 5 of the ABCG8 gene, results from a T to C substitution at nucleotide position 638. The leucine at codon 213 is replaced by serine, an amino acid with dissimilar properties. This amino acid position is conserved. In addition, the in silico prediction for this alteration is inconclusive. Based on the available evidence, the clinical significance of this variant remains unclear.